The following is an entry in ClinVar:

NM_001271938.2(MEGF8):c.2173T>A (p.Phe725Ile)

Gene: MEGF8 (multiple EGF like domains 8; plus strand). Cytogenetic location: 19q13.2.
Variant type: single nucleotide variant.
Coding change: c.2173T>A on transcript NM_001271938.2 (MANE Select); coding-DNA position 2173, T replaced by A.
Protein change: p.Phe725Ile; replaces phenylalanine 725 with isoleucine.
Molecular consequence: missense variant. On other transcripts: intron variant (1).
Genome position (GRCh38, 1-based): chr19:42,348,347, T>A. VCF-style: chr19-42348347-T-A. GRCh37 (hg19) VCF-style: chr19-42852499-T-A.
Other names: c.2098-1152T>A (NM_001410.3); short protein forms F725I.
Identifiers: ClinVar variation 1306221 (VCV001306221.3), dbSNP rs1050470092, ClinGen allele CA308631348.
Genomic context (GRCh38, chr19:42,348,347, plus strand): 5'-AGCACGACCATCACCCTAACACCCAGCGCAGAGACAGATGTGTCCCTGGTCTACCGTGGC[T>A]TCATCTACCCAATGCTGCCTGGAGGGCCAGGTGGACCAGGGGCTGAGGACGTGGCCGTGT-3'
Protein context (NP_001258867.1, residues 715-735): ETDVSLVYRG[Phe725Ile]IYPMLPGGPG

ClinVar aggregate classification (germline): Uncertain significance (1 of 4 stars; one submission).

Allele frequency attached by ClinVar (database versions not stated): gnomAD exomes below 0.00001 and 0.00001; TOPMed below 0.00001.
gnomAD v4.1: 2 of 1,537,452 alleles (0.00013%); highest among the groups gnomAD compares: Non-Finnish European, 0.00017%; no homozygotes.

Submission:

GeneDx
Classification: Uncertain significance. Last evaluated: 2026-08-31. Review status: criteria provided, single submitter. Criteria: GeneDx Variant Classification Process June 2021. Collection method: clinical testing. Allele origin: germline.
Comment: In silico analysis suggests that this variant does not alter splicing; Not observed at significant frequency in large population cohorts (gnomAD); Has not been previously published as pathogenic or benign to our knowledge; Reported using an alternate transcript of the gene